The following is an entry in ClinVar:

NM_001370259.2(MEN1):c.1466C>T (p.Pro489Leu)

Gene: MEN1 (menin 1; minus strand). Cytogenetic location: 11q13.1.
Variant type: single nucleotide variant.
Coding change: c.1466C>T on transcript NM_001370259.2 (MANE Select); coding-DNA position 1466, C replaced by T.
Protein change: p.Pro489Leu; replaces proline 489 with leucine.
Molecular consequence: missense variant. On other transcripts: non-coding transcript variant (4).
Genome position (GRCh38, 1-based): chr11:64,804,701, G>A on the plus strand (C>T on the coding strand, the complement: MEN1 is on the minus strand). VCF-style: chr11-64804701-G-A. GRCh37 (hg19) VCF-style: chr11-64572173-G-A.
Other names: c.1481C>T, p.Pro494Leu (NM_000244.4, NM_130800.3, NM_130801.3 and 4 more transcripts); c.1592C>T, p.Pro531Leu (NM_001370251.2, NM_001407142.1, NM_001407143.1 and 1 more transcripts); c.1361C>T, p.Pro454Leu (NM_001407148.1, NM_001407149.1, NM_001370262.2 and 1 more transcripts); c.1607C>T, p.Pro536Leu (NM_001407150.1); c.1487C>T, p.Pro496Leu (NM_001407151.1); c.1301C>T, p.Pro434Leu (NM_001407152.1); c.1466C>T, p.Pro489Leu (NM_130799.3, NM_001370260.2, NM_001370261.2 and 2 more transcripts); short protein forms P489L, P494L, P454L, P531L, P434L, P496L, P536L.
Identifiers: ClinVar variation 2955535 (VCV002955535.4), dbSNP rs1411575404, ClinGen allele CA381179132.
Genomic context (GRCh38, chr11:64,804,701, plus strand): 5'-CCCTGGCCGGTGCCCAGGCCCTTGTCCAGTGCTGGCTTCTTGGGCGGCGGGGGCTCCTCT[G>A]GCTTGGACTCCCGCCGTGGGCCCCGCCGCCGGCCTTCCCGGGCTTCCTCGCCCCACGGCT-3'
Protein context (NP_001357188.2, residues 479-499): RRRGPRRESK[Pro489Leu]EEPPPPKKPA

ClinVar aggregate classification (germline): Uncertain significance. Review status: criteria provided, multiple submitters, no conflicts (2 of 4 stars). 2 submissions from 2 submitters: Uncertain significance (2). Last evaluated 2024-06-29.

Conditions:
Hereditary cancer-predisposing syndrome. Also called: Tumor predisposition; Hereditary Cancer Syndrome; Neoplastic Syndromes, Hereditary; Hereditary neoplastic syndrome. Identifiers: Orphanet 140162, MedGen C0027672, MeSH D009386, MONDO:0015356.
Multiple endocrine neoplasia, type 1 (MEN1). Also called: MEA I; MEN I; WERMER SYNDROME; Endocrine adenomatosis multiple; MEN 1. Identifiers: Orphanet 652, MedGen C0025267, MeSH D018761, MONDO:0007540, OMIM 131100.

Submissions (2):

Ambry Genetics
Classification: Uncertain significance for Hereditary cancer-predisposing syndrome. Last evaluated: 2024-06-29. Review status: criteria provided, single submitter. Criteria: Ambry Variant Classification Scheme 2023. Collection method: clinical testing. Allele origin: germline.
Comment: The p.P489L variant (also known as c.1466C>T), located in coding exon 9 of the MEN1 gene, results from a C to T substitution at nucleotide position 1466. The proline at codon 489 is replaced by leucine, an amino acid with similar properties. This amino acid position is conserved. In addition, this alteration is predicted to be tolerated by in silico analysis. Based on the available evidence, the clinical significance of this variant remains unclear.

Labcorp Genetics (formerly Invitae), Labcorp
Classification: Uncertain significance for Multiple endocrine neoplasia, type 1. Last evaluated: 2024-04-23. Review status: criteria provided, single submitter. Criteria: Invitae Variant Classification Sherloc (09022015). Collection method: clinical testing. Allele origin: germline.
Comment: This sequence change replaces proline, which is neutral and non-polar, with leucine, which is neutral and non-polar, at codon 489 of the MEN1 protein (p.Pro489Leu). This variant is not present in population databases (gnomAD no frequency). This variant has not been reported in the literature in individuals affected with MEN1-related conditions. Advanced modeling of protein sequence and biophysical properties (such as structural, functional, and spatial information, amino acid conservation, physicochemical variation, residue mobility, and thermodynamic stability) has been performed at Invitae for this missense variant, however the output from this modeling did not meet the statistical confidence thresholds required to predict the impact of this variant on MEN1 protein function. In summary, the available evidence is currently insufficient to determine the role of this variant in disease. Therefore, it has been classified as a Variant of Uncertain Significance.